The following is an entry in ClinVar:

ClinVar aggregate classification (germline): Likely benign (1 of 4 stars; one submission).

Allele frequency attached by ClinVar (database versions not stated): ExAC 0.00001; gnomAD 0.00001; TOPMed 0.00003; gnomAD exomes 0.00004.

Submission:

CeGaT Center for Human Genetics Tuebingen
Classification: Likely benign. Last evaluated: 2022-09-01. Review status: criteria provided, single submitter. Criteria: CeGaT Center For Human Genetics Tuebingen Variant Classification Criteria Version 2. Collection method: clinical testing. Allele origin: germline. Affected: yes. Observed: 1 variant allele.
Comment: CFAP65: BP4, BP7

NM_194302.4(CFAP65):c.225C>T (p.Val75=)

Gene: CFAP65 (cilia and flagella associated protein 65; minus strand). Cytogenetic location: 2q35.
Variant type: single nucleotide variant.
Coding change: c.225C>T on transcript NM_194302.4 (MANE Select); coding-DNA position 225, C replaced by T.
Protein change: p.Val75=; no amino-acid change (valine 75 retained).
Molecular consequence: synonymous variant.
Genome position (GRCh38, 1-based): chr2:219,038,507, G>A on the plus strand (C>T on the coding strand, the complement: CFAP65 is on the minus strand). VCF-style: chr2-219038507-G-A. GRCh37 (hg19) VCF-style: chr2-219903229-G-A.
Other names: c.192C>T, p.Val64= (NM_001278295.1); c.30C>T, p.Val10= (NM_001278296.2, NM_152389.4).
Identifiers: ClinVar variation 2651911 (VCV002651911.24), dbSNP rs767323675, ClinGen allele CA2116412.